The following is an entry in ClinVar:

ClinVar aggregate classification (germline): Uncertain significance. Review status: criteria provided, multiple submitters, no conflicts (2 of 4 stars). 2 submissions from 2 submitters: Uncertain significance (2). Last evaluated 2026-04-01.

Conditions:
Supravalvar aortic stenosis (SVAS). Also called: Supravalvar aortic stenosis, Eisenberg type. Identifiers: Orphanet 3193, MedGen C0003499, MONDO:0008504, OMIM 185500, HP:0004381.

gnomAD v4.1: 1 of 1,608,158 alleles (0.000062%); highest among the groups gnomAD compares: Admixed American, 0.0017%; no homozygotes.

Submissions (2):

CeGaT Center for Human Genetics Tuebingen
Classification: Uncertain significance. Last evaluated: 2026-04-01. Review status: criteria provided, single submitter. Criteria: CeGaT Center For Human Genetics Tuebingen Variant Classification Criteria Version 2. Collection method: clinical testing. Allele origin: germline. Affected: yes. Observed: 1 variant allele.

Labcorp Genetics (formerly Invitae), Labcorp
Classification: Uncertain significance for Supravalvar aortic stenosis. Last evaluated: 2024-12-24. Review status: criteria provided, single submitter. Criteria: Invitae Variant Classification Sherloc (09022015). Collection method: clinical testing. Allele origin: germline.
Comment: This sequence change replaces valine, which is neutral and non-polar, with methionine, which is neutral and non-polar, at codon 136 of the ELN protein (p.Val136Met). This variant is not present in population databases (gnomAD no frequency). This variant has not been reported in the literature in individuals affected with ELN-related conditions. Invitae Evidence Modeling of protein sequence and biophysical properties (such as structural, functional, and spatial information, amino acid conservation, physicochemical variation, residue mobility, and thermodynamic stability) indicates that this missense variant is not expected to disrupt ELN protein function with a negative predictive value of 80%. In summary, the available evidence is currently insufficient to determine the role of this variant in disease. Therefore, it has been classified as a Variant of Uncertain Significance.

NM_000501.4(ELN):c.406G>A (p.Val136Met)

Gene: ELN (elastin; plus strand). Cytogenetic location: 7q11.23.
Variant type: single nucleotide variant.
Coding change: c.406G>A on transcript NM_000501.4 (MANE Select); coding-DNA position 406, G replaced by A.
Protein change: p.Val136Met; replaces valine 136 with methionine.
Molecular consequence: missense variant.
Genome position (GRCh38, 1-based): chr7:74,043,147, G>A. VCF-style: chr7-74043147-G-A. GRCh37 (hg19) VCF-style: chr7-73457477-G-A.
Other names: c.391G>A, p.Val131Met (NM_001278914.2); c.406G>A, p.Val136Met (NM_001278915.2, NM_001278916.2, NM_001278939.2 and 2 more transcripts); c.376G>A, p.Val126Met (NM_001278917.2, NM_001278918.2, NM_001081752.3); c.421G>A, p.Val141Met (NM_001081753.3, NM_001081754.3); c.370G>A, p.Val124Met (NM_001278913.2); short protein forms V131M, V141M, V124M, V126M, V136M.
Identifiers: ClinVar variation 3670166 (VCV003670166.4).